The following is an entry in ClinVar:

ClinVar aggregate classification (germline): Uncertain significance (1 of 4 stars; one submission).

Submission:

GeneDx
Classification: Uncertain significance. Last evaluated: 2023-06-05. Review status: criteria provided, single submitter. Criteria: GeneDx Variant Classification Process June 2021. Collection method: clinical testing. Allele origin: germline. Affected: yes.
Comment: Not observed at significant frequency in large population cohorts (gnomAD); In silico analysis supports that this missense variant has a deleterious effect on protein structure/function; Has not been previously published as pathogenic or benign to our knowledge

NM_001039591.3(USP9X):c.2627C>G (p.Pro876Arg)

Gene: USP9X (ubiquitin specific peptidase 9 X-linked; plus strand). Cytogenetic location: Xp11.4.
Variant type: single nucleotide variant.
Coding change: c.2627C>G on transcript NM_001039591.3 (MANE Select); coding-DNA position 2627, C replaced by G.
Protein change: p.Pro876Arg; replaces proline 876 with arginine.
Molecular consequence: missense variant.
Genome position (GRCh38, 1-based): chrX:41,168,209, C>G. VCF-style: chrX-41168209-C-G. GRCh37 (hg19) VCF-style: chrX-41027462-C-G.
Other names: c.2627C>G, p.Pro876Arg (NM_001039590.3); c.2642C>G, p.Pro881Arg (NM_001410748.1, NM_001410749.1); short protein forms P876R, P881R.
Identifiers: ClinVar variation 3359468 (VCV003359468.1).
Genomic context (GRCh38, chrX:41,168,209, plus strand): 5'-TTTTAAGGGAATATATAAATGAATGTGACAGTGATTATCATGAGGAAAGAACAATTCTCC[C>G]TATGTCGAGGTTTGTGAATAACTAATCTATTGGTGCTAATTCTTAATTATTTGATATTTT-3'
Protein context (NP_001034680.2, residues 866-886): SDYHEERTIL[Pro876Arg]MSRAFRGKHL